The following is an entry in ClinVar:

NM_003126.4(SPTA1):c.5531G>C (p.Arg1844Pro)

Gene: SPTA1 (spectrin alpha, erythrocytic 1; minus strand). Cytogenetic location: 1q23.1.
Variant type: single nucleotide variant.
Coding change: c.5531G>C on transcript NM_003126.4 (MANE Select); coding-DNA position 5531, G replaced by C.
Protein change: p.Arg1844Pro; replaces arginine 1844 with proline.
Molecular consequence: missense variant.
Genome position (GRCh38, 1-based): chr1:158,634,577, C>G on the plus strand (G>C on the coding strand, the complement: SPTA1 is on the minus strand). VCF-style: chr1-158634577-C-G. GRCh37 (hg19) VCF-style: chr1-158604367-C-G.
Other names: short protein forms R1844P.
Identifiers: ClinVar variation 2194232 (VCV002194232.4), dbSNP rs371114338, ClinGen allele CA343025861.

ClinVar aggregate classification (germline): Uncertain significance (1 of 4 stars; one submission).

gnomAD v4.1: 4 of 1,614,130 alleles (0.00025%); highest among the groups gnomAD compares: Admixed American, 0.0017%; no homozygotes.

Submission:

Labcorp Genetics (formerly Invitae), Labcorp
Classification: Uncertain significance. Last evaluated: 2022-04-18. Review status: criteria provided, single submitter. Criteria: Invitae Variant Classification Sherloc (09022015). Collection method: clinical testing. Allele origin: germline.
Comment: This variant is present in population databases (no rsID available, gnomAD 0.003%). In summary, the available evidence is currently insufficient to determine the role of this variant in disease. Therefore, it has been classified as a Variant of Uncertain Significance. Algorithms developed to predict the effect of missense changes on protein structure and function are either unavailable or do not agree on the potential impact of this missense change (SIFT: "Tolerated"; PolyPhen-2: "Possibly Damaging"; Align-GVGD: "Class C0"). This variant has not been reported in the literature in individuals affected with SPTA1-related conditions. This sequence change replaces arginine, which is basic and polar, with proline, which is neutral and non-polar, at codon 1844 of the SPTA1 protein (p.Arg1844Pro).